The following is an entry in ClinVar:

ClinVar aggregate classification (germline): Likely benign (1 of 4 stars; one submission).

gnomAD v4.1: 6 of 1,210,826 alleles (0.0005%); highest among the groups gnomAD compares: Admixed American, 0.0065%; no homozygotes.

Submission:

CeGaT Center for Human Genetics Tuebingen
Classification: Likely benign. Last evaluated: 2025-06-01. Review status: criteria provided, single submitter. Criteria: CeGaT Center For Human Genetics Tuebingen Variant Classification Criteria Version 2. Collection method: clinical testing. Allele origin: germline. Affected: yes. Observed: 1 variant allele.
Comment: ELF4: BP4, BP7

NM_001421.4(ELF4):c.51C>T (p.Asn17=)

Gene: ELF4 (E74 like ETS transcription factor 4; minus strand). Cytogenetic location: Xq26.1.
Variant type: single nucleotide variant.
Coding change: c.51C>T on transcript NM_001421.4 (MANE Select); coding-DNA position 51, C replaced by T.
Protein change: p.Asn17=; no amino-acid change (asparagine 17 retained).
Molecular consequence: synonymous variant.
Genome position (GRCh38, 1-based): chrX:130,081,280, G>A on the plus strand (C>T on the coding strand, the complement: ELF4 is on the minus strand). VCF-style: chrX-130081280-G-A. GRCh37 (hg19) VCF-style: chrX-129215254-G-A.
Other names: c.51C>T, p.Asn17= (NM_001127197.2).
Identifiers: ClinVar variation 3905695 (VCV003905695.10).